The following is an entry in ClinVar:

ClinVar aggregate classification (germline): Uncertain significance (1 of 4 stars; one submission).

Conditions:
Early-infantile DEE. Also called: Early infantile epileptic encephalopathy; Early infantile epileptic encephalopathy with suppression bursts; Ohtahara syndrome. Identifiers: Orphanet 1934, MedGen C0393706, MONDO:0800491.

Allele frequency attached by ClinVar (database versions not stated): gnomAD exomes below 0.00001.
gnomAD v4.1: 2 of 1,614,000 alleles (0.00012%); highest among the groups gnomAD compares: Non-Finnish European, 0.000085%; no homozygotes.

Submission:

Labcorp Genetics (formerly Invitae), Labcorp
Classification: Uncertain significance for Early-infantile DEE. Last evaluated: 2023-03-17. Review status: criteria provided, single submitter. Criteria: Invitae Variant Classification Sherloc (09022015). Collection method: clinical testing. Allele origin: germline.
Comment: This sequence change replaces alanine, which is neutral and non-polar, with glycine, which is neutral and non-polar, at codon 773 of the HCN1 protein (p.Ala773Gly). This variant is not present in population databases (gnomAD no frequency). This variant has not been reported in the literature in individuals affected with HCN1-related conditions. Advanced modeling of protein sequence and biophysical properties (such as structural, functional, and spatial information, amino acid conservation, physicochemical variation, residue mobility, and thermodynamic stability) performed at Invitae indicates that this missense variant is not expected to disrupt HCN1 protein function. In summary, the available evidence is currently insufficient to determine the role of this variant in disease. Therefore, it has been classified as a Variant of Uncertain Significance.

NM_021072.4(HCN1):c.2318C>G (p.Ala773Gly)

Gene: HCN1 (hyperpolarization activated cyclic nucleotide gated potassium channel 1; minus strand). Cytogenetic location: 5p12.
Variant type: single nucleotide variant.
Coding change: c.2318C>G on transcript NM_021072.4 (MANE Select); coding-DNA position 2318, C replaced by G.
Protein change: p.Ala773Gly; replaces alanine 773 with glycine.
Molecular consequence: missense variant.
Genome position (GRCh38, 1-based): chr5:45,262,276, G>C on the plus strand (C>G on the coding strand, the complement: HCN1 is on the minus strand). VCF-style: chr5-45262276-G-C. GRCh37 (hg19) VCF-style: chr5-45262378-G-C.
Other names: short protein forms A773G.
Identifiers: ClinVar variation 2915109 (VCV002915109.3), dbSNP rs1232040161, ClinGen allele CA359703582.